The following is an entry in ClinVar:

ClinVar aggregate classification (germline): Likely benign (0 of 4 stars; one submission).

Conditions:
CFAP57-related disorder. Also called: CFAP57-related condition.

Allele frequency attached by ClinVar (database versions not stated): gnomAD exomes below 0.00001; gnomAD 0.00004; 1000 Genomes Project 0.00020; 1000 Genomes Project 30x 0.00031; ExAC 0.00001; TOPMed 0.00006.
gnomAD v4.1: 9 of 1,613,212 alleles (0.00056%); highest among the groups gnomAD compares: Admixed American, 0.012%; no homozygotes.

Submission:

PreventionGenetics, part of Exact Sciences
Classification: Likely benign for CFAP57-related condition. Last evaluated: 2019-08-01. Review status: no assertion criteria provided. Collection method: clinical testing. Allele origin: germline.
Comment: This variant is classified as likely benign based on ACMG/AMP sequence variant interpretation guidelines (Richards et al. 2015 PMID: 25741868, with internal and published modifications).

NM_001378189.1(CFAP57):c.969+10G>A

Genes: CFAP57 (cilia and flagella associated protein 57; plus strand), EBNA1BP2 (EBNA1 binding protein 2; minus strand), LOC105378685 (uncharacterized LOC105378685; minus strand). Cytogenetic location: 1p34.2.
Variant type: single nucleotide variant.
Coding change: c.969+10G>A on transcript NM_001378189.1 (MANE Select); 10 bases into the intron after coding-DNA position 969, G replaced by A.
Molecular consequence: intron variant.
Genome position (GRCh38, 1-based): chr1:43,185,366, G>A. VCF-style: chr1-43185366-G-A. GRCh37 (hg19) VCF-style: chr1-43651037-G-A.
Other names: c.969+10G>A (NM_001195831.3, NM_152498.3, NM_001167965.1).
Identifiers: ClinVar variation 3050191 (VCV003050191.2), dbSNP rs202232057, ClinGen allele CA804505.